The following is an entry in ClinVar:

ClinVar aggregate classification (germline): Uncertain significance. Review status: criteria provided, multiple submitters, no conflicts (2 of 4 stars). 2 submissions from 2 submitters: Uncertain significance (2). Last evaluated 2025-06-18.

Conditions:
Hereditary cancer-predisposing syndrome. Also called: Hereditary Cancer Syndrome; Neoplastic Syndromes, Hereditary; Tumor predisposition; Hereditary neoplastic syndrome. Identifiers: Orphanet 140162, MedGen C0027672, MeSH D009386, MONDO:0015356.
EGFR-related lung cancer (EGFR). Identifiers: MedGen CN130014.

Allele frequency attached by ClinVar (database versions not stated): gnomAD exomes below 0.00001; TOPMed 0.00001.
gnomAD v4.1: 1 of 1,610,586 alleles (0.000062%); highest among the groups gnomAD compares: Non-Finnish European, 0.000085%; no homozygotes.

Submissions (2):

Ambry Genetics
Classification: Uncertain significance for Hereditary cancer-predisposing syndrome. Last evaluated: 2025-06-18. Review status: criteria provided, single submitter. Criteria: Ambry Variant Classification Scheme 2023. Collection method: clinical testing. Allele origin: germline.
Comment: The p.Q684R variant (also known as c.2051A>G), located in coding exon 17 of the EGFR gene, results from an A to G substitution at nucleotide position 2051. The glutamine at codon 684 is replaced by arginine, an amino acid with highly similar properties. This amino acid position is highly conserved in available vertebrate species. In addition, the in silico prediction for this alteration is inconclusive. Based on the available evidence, the clinical significance of this variant remains unclear.

Labcorp Genetics (formerly Invitae), Labcorp
Classification: Uncertain significance for EGFR-related lung cancer. Last evaluated: 2024-07-30. Review status: criteria provided, single submitter. Criteria: Invitae Variant Classification Sherloc (09022015). Collection method: clinical testing. Allele origin: germline.
Comment: This sequence change replaces glutamine, which is neutral and polar, with arginine, which is basic and polar, at codon 684 of the EGFR protein (p.Gln684Arg). This variant is not present in population databases (gnomAD no frequency). This variant has not been reported in the literature in individuals affected with EGFR-related conditions. Advanced modeling of protein sequence and biophysical properties (such as structural, functional, and spatial information, amino acid conservation, physicochemical variation, residue mobility, and thermodynamic stability) has been performed at Invitae for this missense variant, however the output from this modeling did not meet the statistical confidence thresholds required to predict the impact of this variant on EGFR protein function. In summary, the available evidence is currently insufficient to determine the role of this variant in disease. Therefore, it has been classified as a Variant of Uncertain Significance.

NM_005228.5(EGFR):c.2051A>G (p.Gln684Arg)

Gene: EGFR (epidermal growth factor receptor; plus strand). Cytogenetic location: 7p11.2.
Variant type: single nucleotide variant.
Coding change: c.2051A>G on transcript NM_005228.5 (MANE Select); coding-DNA position 2051, A replaced by G.
Protein change: p.Gln684Arg; replaces glutamine 684 with arginine.
Molecular consequence: missense variant.
Genome position (GRCh38, 1-based): chr7:55,173,114, A>G. VCF-style: chr7-55173114-A-G. GRCh37 (hg19) VCF-style: chr7-55240807-A-G.
Other names: c.1916A>G, p.Gln639Arg (NM_001346897.2, NM_001346899.2); c.2051A>G, p.Gln684Arg (NM_001346898.2); c.1892A>G, p.Gln631Arg (NM_001346900.2); c.1250A>G, p.Gln417Arg (NM_001346941.2); short protein forms Q631R, Q684R, Q417R, Q639R.
Identifiers: ClinVar variation 2795097 (VCV002795097.4), dbSNP rs1427460008, ClinGen allele CA367583268.